The following is an entry in ClinVar:

NM_006231.4(POLE):c.993dup (p.Phe332fs)

Gene: POLE (DNA polymerase epsilon, catalytic subunit; minus strand). Cytogenetic location: 12q24.33.
Variant type: Duplication.
Coding change: c.993dup on transcript NM_006231.4 (MANE Select); coding-DNA position 993, one base duplicated (C; older notation c.993dupC).
Protein change: p.Phe332fs; shifts the reading frame from phenylalanine 332.
Molecular consequence: frameshift variant.
Genome position (GRCh38, 1-based): chr12:132,676,121, G duplicated on the plus strand (C on the coding strand, the reverse complement: POLE is on the minus strand); the first of 4 consecutive G bases (chr12:132,676,121-132,676,124); duplicating any one gives the same sequence. VCF-style (leftmost placement, unchanged base first): chr12-132676120-A-AG. GRCh37 (hg19) VCF-style: chr12-133252706-A-AG.
Other names: short protein forms F332fs.
Identifiers: ClinVar variation 4726927 (VCV004726927.1).

ClinVar aggregate classification (germline): Pathogenic (1 of 4 stars; one submission).

Submission:

Labcorp Genetics (formerly Invitae), Labcorp
Classification: Pathogenic. Last evaluated: 2025-09-10. Review status: criteria provided, single submitter. Criteria: Invitae Variant Classification Sherloc (09022015). Collection method: clinical testing. Allele origin: germline.
Comment: This sequence change creates a premature translational stop signal (p.Phe332Leufs*6) in the POLE gene. It is expected to result in an absent or disrupted protein product. Loss-of-function variants in POLE are known to be pathogenic (PMID: 23230001, 25948378, 30503519). This variant is not present in population databases (gnomAD no frequency). This variant has not been reported in the literature in individuals affected with POLE-related conditions. For these reasons, this variant has been classified as Pathogenic.

Literature cited by the submitters: PubMed 23230001; PubMed 25948378; PubMed 30503519.